The following is an entry in ClinVar:

ClinVar aggregate classification (germline): Pathogenic/Likely pathogenic. Review status: criteria provided, multiple submitters, no conflicts (2 of 4 stars). 2 submissions from 2 submitters: Pathogenic (1); Likely pathogenic (1). Last evaluated 2025-08-27.

Conditions:
Breast-ovarian cancer, familial, susceptibility to, 2 (BROVCA2). Also called: BRCA2 Hereditary Breast and Ovarian Cancer. Identifiers: Orphanet 145, MedGen C2675520, MONDO:0012933, OMIM 612555. Disease mechanism: loss of function.
Hereditary breast ovarian cancer syndrome. Also called: Hereditary breast and ovarian cancer; Hereditary breast and ovarian cancer syndrome (HBOC); Hereditary breast and ovarian cancer syndrome; BRCA1- and BRCA2-Associated Hereditary Breast and Ovarian Cancer; Hereditary breast and/or ovarian cancer syndrome; Breast and ovarian cancer. Identifiers: Orphanet 145, MedGen C0677776, MeSH D061325, MONDO:0003582. Disease mechanism: loss of function.

Submissions (2):

Foundation for Research in Genetics and Endocrinology, FRIGE's Institute of Human Genetics
Classification: Pathogenic for Breast-ovarian cancer, familial, susceptibility to, 2. Last evaluated: 2025-08-27. Review status: criteria provided, single submitter. Criteria: ACMG Guidelines, 2015. Collection method: clinical testing. Allele origin: germline. Inheritance: Autosomal dominant inheritance. Affected: yes. Observed: 1 heterozygote.
Comment: A heterozygous single base pair duplication in exon 14 of the BRCA2 gene that results in a frameshift and premature truncation of the protein 6 amino acids downstream to codon 2469 (p.Thr2469AsnfsTer6) was detected. The p.Thr2469AsnfsTer6 variant has not been reported in the 1000 genomes, gnomAD (v3.1) and gnomAD (v2.1) databases. The in-silico predictions of the variant is damaging by MutationTaster2 tool. The reference region is conserved across species. In summary, the variant meets our criteria to be classified as pathogenic.

Women's Health and Genetics/Laboratory Corporation of America, LabCorp
Classification: Likely pathogenic for Hereditary breast ovarian cancer syndrome. Last evaluated: 2016-02-08. Review status: criteria provided, single submitter. Criteria: LabCorp Variant Classification Summary - May 2015. Collection method: clinical testing. Allele origin: germline.
Comment: Variant summary: This c.7403dupT variant causes a frameshift, which alters the proteins amino acid sequence beginning at position 2469 and leads to a premature termination codon 6 amino acids downstream. It is predicted to cause a truncated or absent BRCA2 protein. Loss of function of the BRCA2 gene is an established disease mechanism in HBOC. This variant was not found in approximately 120042 control chromosomes from the broad and large populations from ExAC. Truncations downstream of this position have been classified as pathogenic by our laboratory (e.g. p.Cys2689X, c.8166delA, c.8323dupA, etc.). The variant has not been reported in affected individuals from literature and databases. Taken together, this variant has currently been classified as Likely Pathogenic.

NM_000059.4(BRCA2):c.7403dup (p.Thr2469fs)

Gene: BRCA2 (BRCA2 DNA repair associated; plus strand). Cytogenetic location: 13q13.1.
Variant type: Duplication.
Coding change: c.7403dup on transcript NM_000059.4 (MANE Select); coding-DNA position 7403, one base duplicated (T; older notation c.7403dupT).
Protein change: p.Thr2469fs; shifts the reading frame from threonine 2469.
Molecular consequence: frameshift variant.
Genome position (GRCh38, 1-based): chr13:32,355,256, T duplicated. VCF-style (leftmost placement, unchanged base first): chr13-32355255-G-GT. GRCh37 (hg19) VCF-style: chr13-32929392-G-GT.
Other names: p.Thr2469AsnfsTer6; c.7403dupT (NM_000059.3, NM_000059.4); short protein forms T2469fs.
Identifiers: ClinVar variation 495498 (VCV000495498.3), dbSNP rs1555286105, ClinGen allele CA658683844.
Genomic context (GRCh38, chr13:32,355,255, plus strand): 5'-AAGATTAATGACAATGAGATTCATCAGTTTAACAAAAACAACTCCAATCAAGCAGTAGCT[G>GT]TAACTTTCACAAAGTGTGAAGAAGAACCTTTAGGTATTGTATGACAATTTGTGTGATGAA-3'